The following is an entry in ClinVar:

NM_000051.4(ATM):c.2489T>G (p.Phe830Cys)

Gene: ATM (ATM serine/threonine kinase; plus strand). Cytogenetic location: 11q22.3.
Variant type: single nucleotide variant.
Coding change: c.2489T>G on transcript NM_000051.4 (MANE Select); coding-DNA position 2489, T replaced by G.
Protein change: p.Phe830Cys; replaces phenylalanine 830 with cysteine.
Molecular consequence: missense variant.
Genome position (GRCh38, 1-based): chr11:108,267,193, T>G. VCF-style: chr11-108267193-T-G. GRCh37 (hg19) VCF-style: chr11-108137920-T-G.
Other names: c.2489T>G, p.Phe830Cys (NM_001351834.2); short protein forms F830C.
Identifiers: ClinVar variation 4747185 (VCV004747185.1).

ClinVar aggregate classification (germline): Uncertain significance (1 of 4 stars; one submission).

Conditions:
Ataxia-telangiectasia syndrome (AT). Also called: Ataxia-telangiectasia, complementation group D; AT, COMPLEMENTATION GROUP C; Ataxia-telangiectasia; Ataxia telangiectasia (A-T); LOUIS-BAR SYNDROME; Cerebello-oculocutaneous telangiectasia. Identifiers: Orphanet 100, MedGen C0004135, MONDO:0008840, OMIM 208900.

Submission:

Labcorp Genetics (formerly Invitae), Labcorp
Classification: Uncertain significance for Ataxia-telangiectasia syndrome. Last evaluated: 2025-07-02. Review status: criteria provided, single submitter. Criteria: Invitae Variant Classification Sherloc (09022015). Collection method: clinical testing. Allele origin: germline.
Comment: This sequence change replaces phenylalanine, which is neutral and non-polar, with cysteine, which is neutral and slightly polar, at codon 830 of the ATM protein (p.Phe830Cys). This variant is not present in population databases (gnomAD no frequency). This variant has not been reported in the literature in individuals affected with ATM-related conditions. Invitae Evidence Modeling of protein sequence and biophysical properties (such as structural, functional, and spatial information, amino acid conservation, physicochemical variation, residue mobility, and thermodynamic stability) indicates that this missense variant is not expected to disrupt ATM protein function with a negative predictive value of 95%. In summary, the available evidence is currently insufficient to determine the role of this variant in disease. Therefore, it has been classified as a Variant of Uncertain Significance.